The following is an entry in ClinVar:

ClinVar aggregate classification (germline): Conflicting classifications of pathogenicity. Review status: criteria provided, conflicting classifications (1 of 4 stars). 4 submissions from 4 submitters: Uncertain significance (3); Likely benign (1). Last evaluated 2026-10-09.

Conditions:
Inborn genetic diseases. Identifiers: MedGen C0950123, MeSH D030342.
Developmental and epileptic encephalopathy, 42 (DEE42A). Also called: DEVELOPMENTAL AND EPILEPTIC ENCEPHALOPATHY 42A; Epileptic encephalopathy, early infantile, 42; EPILEPTIC ENCEPHALOPATHY, EARLY INFANTILE, 42A. Identifiers: MedGen C4310716, MONDO:0014917, OMIM 617106.
Episodic ataxia type 2 (EA2). Also called: ATAXIA, EPISODIC, WITH NYSTAGMUS; ATAXIA, FAMILIAL PAROXYSMAL; CEREBELLAR ATAXIA, PAROXYSMAL, ACETAZOLAMIDE-RESPONSIVE; CEREBELLOPATHY, HEREDITARY PAROXYSMAL; EPISODIC ATAXIA, NYSTAGMUS-ASSOCIATED; ACETAZOLAMIDE-RESPONSIVE HEREDITARY PAROXYSMAL CEREBELLAR ATAXIA. Identifiers: Orphanet 97, MedGen C1720416, MONDO:0007163, OMIM 108500.

Allele frequency attached by ClinVar (database versions not stated): gnomAD exomes 0.00005 and 0.00013; gnomAD 0.00003 and 0.00004; ExAC 0.00017; TOPMed 0.00002.
gnomAD v4.1: 186 of 1,544,102 alleles (0.012%); highest among the groups gnomAD compares: Non-Finnish European, 0.016%; no homozygotes.

Submissions (4):

GeneDx
Classification: Uncertain significance. Last evaluated: 2026-10-09. Review status: criteria provided, single submitter. Criteria: GeneDx Variant Classification Process June 2021. Collection method: clinical testing. Allele origin: germline.
Comment: Reported in a patient with lacunar stroke in published literature (PMID: 31719132); In silico analysis supports that this missense variant has a deleterious effect on protein structure/function; This variant is associated with the following publications: (PMID: 28492532, 40127276, 31719132)

Labcorp Genetics (formerly Invitae), Labcorp
Classification: Likely benign for Developmental and epileptic encephalopathy, 42; Episodic ataxia type 2. Last evaluated: 2025-08-24. Review status: criteria provided, single submitter. Criteria: Invitae Variant Classification Sherloc (09022015). Collection method: clinical testing. Allele origin: germline.

Ambry Genetics
Classification: Uncertain significance for Inborn genetic diseases. Last evaluated: 2019-06-14. Review status: criteria provided, single submitter. Criteria: Ambry Variant Classification Scheme 2023. Collection method: clinical testing. Allele origin: germline.
Comment: The p.R2240W variant (also known as c.6718C>T), located in coding exon 46 of the CACNA1A gene, results from a C to T substitution at nucleotide position 6718. The arginine at codon 2240 is replaced by tryptophan, an amino acid with dissimilar properties. This amino acid position is not well conserved in available vertebrate species. In addition, the in silico prediction for this alteration is inconclusive. Since supporting evidence is limited at this time, the clinical significance of this alteration remains unclear.

CeGaT Center for Human Genetics Tuebingen
Classification: Uncertain significance. Last evaluated: 2019-01-01. Review status: criteria provided, single submitter. Criteria: CeGaT Center For Human Genetics Tuebingen Variant Classification Criteria Version 2. Collection method: clinical testing. Allele origin: germline. Affected: yes. Observed: 1 variant allele.

NM_001127222.2(CACNA1A):c.6715C>T (p.Arg2239Trp)

Genes: CACNA1A (calcium voltage-gated channel subunit alpha1 A; minus strand), LOC130063717 (ATAC-STARR-seq lymphoblastoid silent region 10203; plus strand). Cytogenetic location: 19p13.13.
Variant type: single nucleotide variant.
Coding change: c.6715C>T on transcript NM_001127222.2 (MANE Select); coding-DNA position 6715, C replaced by T.
Protein change: p.Arg2239Trp; replaces arginine 2239 with tryptophan.
Molecular consequence: missense variant.
Genome position (GRCh38, 1-based): chr19:13,208,821, G>A on the plus strand (C>T on the coding strand, the complement: CACNA1A is on the minus strand). VCF-style: chr19-13208821-G-A. GRCh37 (hg19) VCF-style: chr19-13319635-G-A.
Other names: c.6733C>T, p.Arg2245Trp (NM_000068.4, NM_023035.3); c.6718C>T, p.Arg2240Trp (NM_001127221.2); c.6724C>T, p.Arg2242Trp (NM_001174080.2); short protein forms R2240W, R2239W, R2242W, R2245W.
Identifiers: ClinVar variation 567312 (VCV000567312.54), dbSNP rs759576380, ClinGen allele CA9239285.